The following is an entry in ClinVar:

ClinVar aggregate classification (germline): Uncertain significance (1 of 4 stars; one submission).

Submission:

GeneDx
Classification: Uncertain significance. Last evaluated: 2024-10-22. Review status: criteria provided, single submitter. Criteria: GeneDx Variant Classification Process June 2021. Collection method: clinical testing. Allele origin: germline. Affected: yes.
Comment: Not observed at significant frequency in large population cohorts (gnomAD); In silico analysis supports that this missense variant has a deleterious effect on protein structure/function; Has not been previously published as pathogenic or benign to our knowledge.

NM_032482.3(DOT1L):c.161C>T (p.Ala54Val)

Gene: DOT1L (DOT1 like histone lysine methyltransferase; plus strand). Cytogenetic location: 19p13.3.
Variant type: single nucleotide variant.
Coding change: c.161C>T on transcript NM_032482.3 (MANE Select); coding-DNA position 161, C replaced by T.
Protein change: p.Ala54Val; replaces alanine 54 with valine.
Molecular consequence: missense variant.
Genome position (GRCh38, 1-based): chr19:2,185,890, C>T. VCF-style: chr19-2185890-C-T. GRCh37 (hg19) VCF-style: chr19-2185889-C-T.
Other names: c.161C>T, p.Ala54Val (NM_001411141.1); short protein forms A54V.
Identifiers: ClinVar variation 3893516 (VCV003893516.1).
Genomic context (GRCh38, chr19:2,185,890, plus strand): 5'-GATCGTTTCTGCTGCTGTGTTTCAGATGGGTCTGTGAAGAAATCCCGGATCTCAAGCTCG[C>T]TATGGAGAATTACGTTTTAATTGACTATGACACCAAAAGGTAAGCAGAGTCCTGTCCAGC-3'
Protein context (NP_115871.1, residues 44-64): VCEEIPDLKL[Ala54Val]MENYVLIDYD